The following is an entry in ClinVar:

NM_018249.6(CDK5RAP2):c.2376G>T (p.Arg792Ser)

Gene: CDK5RAP2 (CDK5 regulatory subunit associated protein 2; minus strand). Cytogenetic location: 9q33.2.
Variant type: single nucleotide variant.
Coding change: c.2376G>T on transcript NM_018249.6 (MANE Select); coding-DNA position 2376, G replaced by T.
Protein change: p.Arg792Ser; replaces arginine 792 with serine.
Molecular consequence: missense variant. On other transcripts: non-coding transcript variant (5), intron variant (1).
Genome position (GRCh38, 1-based): chr9:120,453,873, C>A on the plus strand (G>T on the coding strand, the complement: CDK5RAP2 is on the minus strand). VCF-style: chr9-120453873-C-A. GRCh37 (hg19) VCF-style: chr9-123216151-C-A.
Other names: c.2376G>T, p.Arg792Ser (NM_001011649.3); c.2277G>T, p.Arg759Ser (NM_001410992.1); c.2280G>T, p.Arg760Ser (NM_001410993.1); c.2373G>T, p.Arg791Ser (NM_001410994.1); c.2104-5747G>T (NM_001272039.2); short protein forms R759S, R791S, R760S, R792S.
Identifiers: ClinVar variation 2083141 (VCV002083141.4), dbSNP rs779616922, ClinGen allele CA5214077.

ClinVar aggregate classification (germline): Uncertain significance (1 of 4 stars; one submission).

Allele frequency attached by ClinVar (database versions not stated): ExAC 0.00001; gnomAD 0.00001; TOPMed 0.00003.
gnomAD v4.1: 6 of 1,614,060 alleles (0.00037%); highest among the groups gnomAD compares: Admixed American, 0.0067%; no homozygotes.

Submission:

Labcorp Genetics (formerly Invitae), Labcorp
Classification: Uncertain significance. Last evaluated: 2023-05-22. Review status: criteria provided, single submitter. Criteria: Invitae Variant Classification Sherloc (09022015). Collection method: clinical testing. Allele origin: germline.
Comment: This sequence change replaces arginine, which is basic and polar, with serine, which is neutral and polar, at codon 792 of the CDK5RAP2 protein (p.Arg792Ser). This variant is present in population databases (rs779616922, gnomAD 0.009%). This variant has not been reported in the literature in individuals affected with CDK5RAP2-related conditions. ClinVar contains an entry for this variant (Variation ID: 2083141). An algorithm developed to predict the effect of missense changes on protein structure and function (PolyPhen-2) suggests that this variant is likely to be disruptive. Algorithms developed to predict the effect of sequence changes on RNA splicing suggest that this variant may disrupt the consensus splice site. In summary, the available evidence is currently insufficient to determine the role of this variant in disease. Therefore, it has been classified as a Variant of Uncertain Significance.